The following is an entry in ClinVar:

NM_206937.2(LIG4):c.439del (p.Gln147fs)

Gene: LIG4 (DNA ligase 4; minus strand). Cytogenetic location: 13q33.3.
Variant type: Deletion.
Coding change: c.439del on transcript NM_206937.2 (MANE Select); coding-DNA position 439, one base deleted (C; older notation c.439delC).
Protein change: p.Gln147fs; shifts the reading frame from glutamine 147.
Molecular consequence: frameshift variant.
Genome position (GRCh38, 1-based): chr13:108,210,830, G deleted on the plus strand (C on the coding strand, the reverse complement: LIG4 is on the minus strand). VCF-style (leftmost placement, unchanged base first): chr13-108210829-TG-T. GRCh37 (hg19) VCF-style: chr13-108863177-TG-T.
Other names: c.439del, p.Gln147fs (NM_001352600.2, NM_001352601.2, NM_001352602.2 and 6 more transcripts); c.475del, p.Gln159fs (NM_001352604.2); c.238del, p.Gln80fs (NM_001330595.2); short protein forms Q147fs, Q80fs, Q159fs.
Identifiers: ClinVar variation 3022321 (VCV003022321.3), dbSNP rs2501623572, ClinGen allele CA2740097689.

ClinVar aggregate classification (germline): Pathogenic (1 of 4 stars; one submission).

Conditions:
DNA ligase IV deficiency. Identifiers: Orphanet 99812, MedGen C1847827, MONDO:0011686, OMIM 606593.

Submission:

Labcorp Genetics (formerly Invitae), Labcorp
Classification: Pathogenic for DNA ligase IV deficiency. Last evaluated: 2023-09-04. Review status: criteria provided, single submitter. Criteria: Invitae Variant Classification Sherloc (09022015). Collection method: clinical testing. Allele origin: germline.
Comment: This variant disrupts a region of the LIG4 protein in which other variant(s) (p.Arg814*) have been determined to be pathogenic (PMID: 11779494, 16088910, 24123394, 25239263, 27063650, 27612988). This suggests that this is a clinically significant region of the protein, and that variants that disrupt it are likely to be disease-causing. For these reasons, this variant has been classified as Pathogenic. This variant is not present in population databases (gnomAD no frequency). This variant has not been reported in the literature in individuals affected with LIG4-related conditions. This sequence change creates a premature translational stop signal (p.Gln147Lysfs*2) in the LIG4 gene. While this is not anticipated to result in nonsense mediated decay, it is expected to disrupt the last 765 amino acid(s) of the LIG4 protein.

Literature cited by the submitters: PubMed 11779494; PubMed 16088910; PubMed 24123394; PubMed 25239263; PubMed 27063650; PubMed 27612988.